The following is an entry in ClinVar:

NM_014141.6(CNTNAP2):c.1223G>A (p.Gly408Asp)

Gene: CNTNAP2 (contactin associated protein 2; plus strand). Cytogenetic location: 7q35.
Variant type: single nucleotide variant.
Coding change: c.1223G>A on transcript NM_014141.6 (MANE Select); coding-DNA position 1223, G replaced by A.
Protein change: p.Gly408Asp; replaces glycine 408 with aspartic acid.
Molecular consequence: missense variant.
Genome position (GRCh38, 1-based): chr7:147,132,384, G>A. VCF-style: chr7-147132384-G-A. GRCh37 (hg19) VCF-style: chr7-146829476-G-A.
Other names: short protein forms G408D.
Identifiers: ClinVar variation 2011567 (VCV002011567.4), dbSNP rs2485923054, ClinGen allele CA369924746.
Genomic context (GRCh38, chr7:147,132,384, plus strand): 5'-GACGGCTTAACCAGGACCTGTTCTCAGTCAGTTTCCAGTTTAGGACATGGAACCCCAATG[G>A]TCTCCTGGTCTTCAGTCACTTTGCGGATAATTTGGGCAATGTGGAGATTGACCTCACTGA-3'
Protein context (NP_054860.1, residues 398-418): SFQFRTWNPN[Gly408Asp]LLVFSHFADN

ClinVar aggregate classification (germline): Uncertain significance (1 of 4 stars; one submission).

Conditions:
Cortical dysplasia-focal epilepsy syndrome (PTHSL1). Also called: Pitt-Hopkins-like syndrome 1. Identifiers: Orphanet 163681, Orphanet 221150, MedGen C2750246, MONDO:0012400, OMIM 610042.

Submission:

Labcorp Genetics (formerly Invitae), Labcorp
Classification: Uncertain significance for Cortical dysplasia-focal epilepsy syndrome. Last evaluated: 2022-06-27. Review status: criteria provided, single submitter. Criteria: Invitae Variant Classification Sherloc (09022015). Collection method: clinical testing. Allele origin: germline.
Comment: This variant is not present in population databases (gnomAD no frequency). In summary, the available evidence is currently insufficient to determine the role of this variant in disease. Therefore, it has been classified as a Variant of Uncertain Significance. Algorithms developed to predict the effect of missense changes on protein structure and function are either unavailable or do not agree on the potential impact of this missense change (SIFT: "Deleterious"; PolyPhen-2: "Probably Damaging"; Align-GVGD: "Class C0"). This variant has not been reported in the literature in individuals affected with CNTNAP2-related conditions. This sequence change replaces glycine, which is neutral and non-polar, with aspartic acid, which is acidic and polar, at codon 408 of the CNTNAP2 protein (p.Gly408Asp).